The following is an entry in ClinVar:

ClinVar aggregate classification (germline): Uncertain significance (1 of 4 stars; one submission).

Conditions:
Peroxisome biogenesis disorder. Identifiers: Orphanet 79189, MedGen C1832200, MONDO:0019234. Disease mechanism: loss of function.

gnomAD v4.1: 15 of 1,600,446 alleles (0.00094%); highest among the groups gnomAD compares: African/African-American, 0.0027%; no homozygotes.

Submission:

Labcorp Genetics (formerly Invitae), Labcorp
Classification: Uncertain significance for Peroxisome biogenesis disorder. Last evaluated: 2025-06-20. Review status: criteria provided, single submitter. Criteria: Invitae Variant Classification Sherloc (09022015). Collection method: clinical testing. Allele origin: germline.
Comment: This sequence change replaces valine, which is neutral and non-polar, with methionine, which is neutral and non-polar, at codon 254 of the PEX16 protein (p.Val254Met). The frequency data for this variant in the population databases is considered unreliable, as metrics indicate poor data quality at this position in the gnomAD database. This variant has not been reported in the literature in individuals affected with PEX16-related conditions. ClinVar contains an entry for this variant (Variation ID: 1418479). Invitae Evidence Modeling of protein sequence and biophysical properties (such as structural, functional, and spatial information, amino acid conservation, physicochemical variation, residue mobility, and thermodynamic stability) indicates that this missense variant is not expected to disrupt PEX16 protein function with a negative predictive value of 80%. In summary, the available evidence is currently insufficient to determine the role of this variant in disease. Therefore, it has been classified as a Variant of Uncertain Significance.

NM_004813.4(PEX16):c.760G>A (p.Val254Met)

Gene: PEX16 (peroxisomal biogenesis factor 16; minus strand). Cytogenetic location: 11p11.2.
Variant type: single nucleotide variant.
Coding change: c.760G>A on transcript NM_004813.4 (MANE Select); coding-DNA position 760, G replaced by A.
Protein change: p.Val254Met; replaces valine 254 with methionine.
Molecular consequence: missense variant.
Genome position (GRCh38, 1-based): chr11:45,914,138, C>T on the plus strand (G>A on the coding strand, the complement: PEX16 is on the minus strand). VCF-style: chr11-45914138-C-T. GRCh37 (hg19) VCF-style: chr11-45935689-C-T.
Other names: c.760G>A, p.Val254Met (NM_057174.3); short protein forms V254M.
Identifiers: ClinVar variation 1418479 (VCV001418479.6), dbSNP rs35214605, ClinGen allele CA5959844.
Genomic context (GRCh38, chr11:45,914,138, plus strand): 5'-ATTATAGCAGAAAGCCCAGTGGAGAGTGAAGCCCCAGGCAGGCCCAGGCTCACCTGGTCA[C>T]GTCCACAACACCAGCCAAGAGCCAGGGTTTCCACGACCTCTGACCCCACAGGCCCAGGCT-3'
Protein context (NP_004804.2, residues 244-264): KPWLLAGVVD[Val254Met]TSLSLLSDRK